The following is an entry in ClinVar:

NM_182542.3(ERICH6B):c.288G>A (p.Glu96=)

Gene: ERICH6B (glutamate rich 6B; minus strand). Cytogenetic location: 13q14.13.
Variant type: single nucleotide variant.
Coding change: c.288G>A on transcript NM_182542.3 (MANE Select); coding-DNA position 288, G replaced by A.
Protein change: p.Glu96=; no amino-acid change (glutamic acid 96 retained).
Molecular consequence: synonymous variant.
Genome position (GRCh38, 1-based): chr13:45,596,718, C>T on the plus strand (G>A on the coding strand, the complement: ERICH6B is on the minus strand). VCF-style: chr13-45596718-C-T. GRCh37 (hg19) VCF-style: chr13-46170853-C-T.
Identifiers: ClinVar variation 2643803 (VCV002643803.24), dbSNP rs371834583, ClinGen allele CA6973081.

ClinVar aggregate classification (germline): Likely benign (1 of 4 stars; one submission).

Allele frequency attached by ClinVar (database versions not stated): gnomAD 0.00008; TOPMed 0.00008; gnomAD exomes 0.00011; ESP Exome Variant Server 0.00022; ExAC 0.00057.
gnomAD v4.1: 178 of 1,551,680 alleles (0.011%); highest among the groups gnomAD compares: Non-Finnish European, 0.0016%; 1 homozygote.

Submission:

CeGaT Center for Human Genetics Tuebingen
Classification: Likely benign. Last evaluated: 2023-01-01. Review status: criteria provided, single submitter. Criteria: CeGaT Center For Human Genetics Tuebingen Variant Classification Criteria Version 2. Collection method: clinical testing. Allele origin: germline. Affected: yes. Observed: 1 variant allele.
Comment: ERICH6B: BP4, BP7